The following is an entry in ClinVar:

ClinVar aggregate classification (germline): Uncertain significance (1 of 4 stars; one submission).

Submission:

CeGaT Center for Human Genetics Tuebingen
Classification: Uncertain significance. Last evaluated: 2024-01-01. Review status: criteria provided, single submitter. Criteria: CeGaT Center For Human Genetics Tuebingen Variant Classification Criteria Version 2. Collection method: clinical testing. Allele origin: germline. Affected: yes. Observed: 1 variant allele.
Comment: PHIP: PM2, BP4

NM_017934.7(PHIP):c.4661C>G (p.Ala1554Gly)

Genes: IRAK1BP1 (interleukin 1 receptor associated kinase 1 binding protein 1; plus strand), PHIP (PHIP subunit of CUL4-Ring ligase complex; minus strand). Cytogenetic location: 6q14.1.
Variant type: single nucleotide variant.
Coding change: c.4661C>G on transcript NM_017934.7 (MANE Select); coding-DNA position 4661, C replaced by G.
Protein change: p.Ala1554Gly; replaces alanine 1554 with glycine.
Molecular consequence: missense variant.
Genome position (GRCh38, 1-based): chr6:78,945,467, G>C on the plus strand (C>G on the coding strand, the complement: PHIP is on the minus strand). VCF-style: chr6-78945467-G-C. GRCh37 (hg19) VCF-style: chr6-79655184-G-C.
Other names: short protein forms A1554G.
Identifiers: ClinVar variation 3026435 (VCV003026435.22), dbSNP rs776659876, ClinGen allele CA364635581.